The following is an entry in ClinVar:

ClinVar aggregate classification (germline): Uncertain significance (1 of 4 stars; one submission).

Allele frequency attached by ClinVar (database versions not stated): gnomAD exomes below 0.00001; ExAC 0.00001.
gnomAD v4.1: 1 of 1,582,696 alleles (0.000063%); highest among the groups gnomAD compares: Admixed American, 0.0017%; no homozygotes.

Submission:

Women's Health and Genetics/Laboratory Corporation of America, LabCorp
Classification: Uncertain significance. Last evaluated: 2023-06-05. Review status: criteria provided, single submitter. Criteria: LabCorp Variant Classification Summary - May 2015. Collection method: clinical testing. Allele origin: germline.
Comment: Variant summary: TBX1 c.1486T>A (p.X496LysextX100) changes the termination codon and is predicted to lead to an extended protein with additional amino acids added to the normal C-terminus. TBX1 c.1486T>A (p.X496LysextX100) causes a frameshift which results in an extension of the protein. The variant allele was found at a frequency of 4.7e-06 in 210788 control chromosomes. The available data on variant occurrences in the general population are insufficient to allow any conclusion about variant significance. To our knowledge, no occurrence of c.1486T>A in individuals affected with TBX1-Related Disorders and no experimental evidence demonstrating its impact on protein function have been reported. No clinical diagnostic laboratories have submitted clinical-significance assessments for this variant to ClinVar after 2014. Based on the evidence outlined above, the variant was classified as uncertain significance.

NM_001379200.1(TBX1):c.1513T>A (p.Ter505Lys)

Gene: TBX1 (T-box transcription factor 1; plus strand). Cytogenetic location: 22q11.21.
Variant type: single nucleotide variant.
Coding change: c.1513T>A on transcript NM_001379200.1 (MANE Select); coding-DNA position 1513, T replaced by A.
Protein change: p.Ter505Lys.
Molecular consequence: stop lost. On other transcripts: intron variant (2).
Genome position (GRCh38, 1-based): chr22:19,766,865, T>A. VCF-style: chr22-19766865-T-A. GRCh37 (hg19) VCF-style: chr22-19754388-T-A.
Other names: c.1486T>A, p.Ter496Lys (NM_080647.1); c.1009+863T>A (NM_005992.1, NM_080646.2).
Identifiers: ClinVar variation 2573634 (VCV002573634.1), dbSNP rs745479292, ClinGen allele CA10102790.